The following is an entry in ClinVar:

ClinVar aggregate classification (germline): Uncertain significance. Review status: criteria provided, multiple submitters, no conflicts (2 of 4 stars). 2 submissions from 2 submitters: Uncertain significance (2). Last evaluated 2025-08-31.

Conditions:
Inborn genetic diseases. Identifiers: MedGen C0950123, MeSH D030342.

Allele frequency attached by ClinVar (database versions not stated): gnomAD exomes below 0.00001 and 0.00002; ExAC 0.00004; gnomAD 0.00005 and 0.00006; TOPMed 0.00007; ESP Exome Variant Server 0.00015; 1000 Genomes Project 0.00040; 1000 Genomes Project 30x 0.00047.
gnomAD v4.1: 15 of 1,613,838 alleles (0.00093%); highest among the groups gnomAD compares: African/African-American, 0.019%; no homozygotes.

Submissions (2):

Ambry Genetics
Classification: Uncertain significance for Inborn genetic diseases. Last evaluated: 2025-08-31. Review status: criteria provided, single submitter. Criteria: Ambry Variant Classification Scheme 2023. Collection method: clinical testing. Allele origin: germline.

Labcorp Genetics (formerly Invitae), Labcorp
Classification: Uncertain significance. Last evaluated: 2022-01-31. Review status: criteria provided, single submitter. Criteria: Invitae Variant Classification Sherloc (09022015). Collection method: clinical testing. Allele origin: germline.
Comment: This sequence change replaces isoleucine, which is neutral and non-polar, with methionine, which is neutral and non-polar, at codon 246 of the DTNBP1 protein (p.Ile246Met). This variant is present in population databases (rs144968986, gnomAD 0.02%). This variant has not been reported in the literature in individuals affected with DTNBP1-related conditions. Algorithms developed to predict the effect of missense changes on protein structure and function output the following: SIFT: "Tolerated"; PolyPhen-2: "Benign"; Align-GVGD: "Class C0". The methionine amino acid residue is found in multiple mammalian species, which suggests that this missense change does not adversely affect protein function. In summary, the available evidence is currently insufficient to determine the role of this variant in disease. Therefore, it has been classified as a Variant of Uncertain Significance.

NM_032122.5(DTNBP1):c.738A>G (p.Ile246Met)

Gene: DTNBP1 (dystrobrevin binding protein 1; minus strand). Cytogenetic location: 6p22.3.
Variant type: single nucleotide variant.
Coding change: c.738A>G on transcript NM_032122.5 (MANE Select); coding-DNA position 738, A replaced by G.
Protein change: p.Ile246Met; replaces isoleucine 246 with methionine.
Molecular consequence: missense variant. On other transcripts: non-coding transcript variant (1).
Genome position (GRCh38, 1-based): chr6:15,524,599, T>C on the plus strand (A>G on the coding strand, the complement: DTNBP1 is on the minus strand). VCF-style: chr6-15524599-T-C. GRCh37 (hg19) VCF-style: chr6-15524830-T-C.
Other names: c.738A>G (NM_032122.4); c.495A>G, p.Ile165Met (NM_001271667.2); c.687A>G, p.Ile229Met (NM_001271668.2); c.633A>G, p.Ile211Met (NM_001271669.2); c.738A>G, p.Ile246Met (NM_183040.2); short protein forms I229M, I165M, I211M, I246M.
Identifiers: ClinVar variation 1442579 (VCV001442579.6), dbSNP rs144968986, ClinGen allele CA3643908.